The following is an entry in ClinVar:

ClinVar aggregate classification (germline): Pathogenic (1 of 4 stars; one submission).

Submission:

Labcorp Genetics (formerly Invitae), Labcorp
Classification: Pathogenic. Last evaluated: 2024-05-13. Review status: criteria provided, single submitter. Criteria: Invitae Variant Classification Sherloc (09022015). Collection method: clinical testing. Allele origin: germline.
Comment: This sequence change creates a premature translational stop signal (p.Lys2512Asnfs*7) in the FAT4 gene. It is expected to result in an absent or disrupted protein product. Loss-of-function variants in FAT4 are known to be pathogenic (PMID: 24056717, 24913602). This variant is not present in population databases (gnomAD no frequency). This variant has not been reported in the literature in individuals affected with FAT4-related conditions. For these reasons, this variant has been classified as Pathogenic.

Literature cited by the submitters: PubMed 24056717; PubMed 24913602.

NM_001291303.3(FAT4):c.7542del (p.Lys2514fs)

Gene: FAT4 (FAT atypical cadherin 4; plus strand). Cytogenetic location: 4q28.1.
Variant type: Deletion.
Coding change: c.7542del on transcript NM_001291303.3 (MANE Select); coding-DNA position 7542, one base deleted (A; older notation c.7542delA).
Protein change: p.Lys2514fs; shifts the reading frame from lysine 2514.
Molecular consequence: frameshift variant.
Genome position (GRCh38, 1-based): chr4:125,448,552, A deleted; the last of 5 consecutive A bases (chr4:125,448,548-125,448,552); deleting any one gives the same sequence. VCF-style (leftmost placement, unchanged base first): chr4-125448547-GA-G. GRCh37 (hg19) VCF-style: chr4-126369702-GA-G.
Other names: c.7542del, p.Lys2514fs (NM_001291285.3); c.7536del, p.Lys2512fs (NM_024582.6); short protein forms K2512fs, K2514fs.
Identifiers: ClinVar variation 3687827 (VCV003687827.2).